The following is an entry in ClinVar:

NM_018943.3(TUBA8):c.314G>A (p.Arg105Gln)

Gene: TUBA8 (tubulin alpha 8; plus strand). Cytogenetic location: 22q11.21.
Variant type: single nucleotide variant.
Coding change: c.314G>A on transcript NM_018943.3 (MANE Select); coding-DNA position 314, G replaced by A.
Protein change: p.Arg105Gln; replaces arginine 105 with glutamine.
Molecular consequence: missense variant.
Genome position (GRCh38, 1-based): chr22:18,124,243, G>A. VCF-style: chr22-18124243-G-A. GRCh37 (hg19) VCF-style: chr22-18607010-G-A.
Other names: c.116G>A, p.Arg39Gln (NM_001193414.2); short protein forms R39Q, R105Q.
Identifiers: ClinVar variation 1490074 (VCV001490074.6), dbSNP rs139516851, ClinGen allele CA321281755.
Genomic context (GRCh38, chr22:18,124,243, plus strand): 5'-AGCTCTTCCATCCAGAGCAGCTGATCACAGGAAAGGAGGATGCAGCCAACAACTATGCCC[G>A]GGGCCACTACACGGTGGGCAAGGAGAGCATTGACCTGGTGCTGGACCGCATACGGAAGCT-3'
Protein context (NP_061816.1, residues 95-115): GKEDAANNYA[Arg105Gln]GHYTVGKESI

ClinVar aggregate classification (germline): Uncertain significance (1 of 4 stars; one submission).

Allele frequency attached by ClinVar (database versions not stated): gnomAD exomes 0.00001; ESP Exome Variant Server 0.00008.

Submission:

Labcorp Genetics (formerly Invitae), Labcorp
Classification: Uncertain significance. Last evaluated: 2022-06-13. Review status: criteria provided, single submitter. Criteria: Invitae Variant Classification Sherloc (09022015). Collection method: clinical testing. Allele origin: germline.
Comment: This sequence change replaces arginine, which is basic and polar, with glutamine, which is neutral and polar, at codon 105 of the TUBA8 protein (p.Arg105Gln). In summary, the available evidence is currently insufficient to determine the role of this variant in disease. Therefore, it has been classified as a Variant of Uncertain Significance. Algorithms developed to predict the effect of missense changes on protein structure and function (SIFT, PolyPhen-2, Align-GVGD) all suggest that this variant is likely to be disruptive. This variant has not been reported in the literature in individuals affected with TUBA8-related conditions. This variant is present in population databases (rs139516851, gnomAD 0.003%).